The following is an entry in ClinVar:

NM_001370259.2(MEN1):c.1396G>C (p.Glu466Gln)

Gene: MEN1 (menin 1; minus strand). Cytogenetic location: 11q13.1.
Variant type: single nucleotide variant.
Coding change: c.1396G>C on transcript NM_001370259.2 (MANE Select); coding-DNA position 1396, G replaced by C.
Protein change: p.Glu466Gln; replaces glutamic acid 466 with glutamine.
Molecular consequence: missense variant.
Genome position (GRCh38, 1-based): chr11:64,804,771, C>G on the plus strand (G>C on the coding strand, the complement: MEN1 is on the minus strand). VCF-style: chr11-64804771-C-G. GRCh37 (hg19) VCF-style: chr11-64572243-C-G.
Other names: c.1411G>C, p.Glu471Gln (NM_000244.4, NM_001407145.1, NM_130800.3 and 4 more transcripts); c.1522G>C, p.Glu508Gln (NM_001370251.2, NM_001407142.1, NM_001407143.1 and 1 more transcripts); c.1396G>C, p.Glu466Gln (NM_001370260.2, NM_001370261.2, NM_001407146.1 and 2 more transcripts); c.1291G>C, p.Glu431Gln (NM_001370262.2, NM_001370263.2, NM_001407148.1 and 1 more transcripts); c.1537G>C, p.Glu513Gln (NM_001407150.1); c.1417G>C, p.Glu473Gln (NM_001407151.1); c.1231G>C, p.Glu411Gln (NM_001407152.1); short protein forms E411Q, E473Q, E471Q, E508Q, E431Q, E513Q, E466Q.
Identifiers: ClinVar variation 2163998 (VCV002163998.5), dbSNP rs1114167497, ClinGen allele CA381179677.
Genomic context (GRCh38, chr11:64,804,771, plus strand): 5'-CCCGCCGTGGGCCCCGCCGCCGGCCTTCCCGGGCTTCCTCGCCCCACGGCTCCTCGGCCT[C>G]GGCCGCCTCGGCCTCTCGGCTCACTATGCGCACCTTCTGCCGCACCTGGGCCAGTGGGGA-3'
Protein context (NP_001357188.2, residues 456-476): RIVSREAEAA[Glu466Gln]AEEPWGEEAR

ClinVar aggregate classification (germline): Uncertain significance. Review status: criteria provided, multiple submitters, no conflicts (2 of 4 stars). 2 submissions from 2 submitters: Uncertain significance (2). Last evaluated 2023-12-01.

Conditions:
Multiple endocrine neoplasia, type 1 (MEN1). Also called: MEA I; MEN I; WERMER SYNDROME; Endocrine adenomatosis multiple; MEN 1. Identifiers: Orphanet 652, MedGen C0025267, MeSH D018761, MONDO:0007540, OMIM 131100.

Submissions (2):

All of Us Research Program, National Institutes of Health
Classification: Uncertain significance for Multiple endocrine neoplasia, type 1. Last evaluated: 2023-12-01. Review status: criteria provided, single submitter. Criteria: ACMG Guidelines, 2015. Collection method: clinical testing. Allele origin: germline. Inheritance: Autosomal dominant inheritance. Observed: 1 variant allele, 1 heterozygote.
Comment: This study involves interpretation of variants in research participants for the purpose of population health screening. Participant phenotype was not available at the time of variant classification. Additional details can be found in publication PMID: 35346344, PMCID: PMC8962531

Labcorp Genetics (formerly Invitae), Labcorp
Classification: Uncertain significance for Multiple endocrine neoplasia, type 1. Last evaluated: 2022-01-23. Review status: criteria provided, single submitter. Criteria: Invitae Variant Classification Sherloc (09022015). Collection method: clinical testing. Allele origin: germline.
Comment: This sequence change replaces glutamic acid, which is acidic and polar, with glutamine, which is neutral and polar, at codon 466 of the MEN1 protein (p.Glu466Gln). This variant is not present in population databases (gnomAD no frequency). This variant has not been reported in the literature in individuals affected with MEN1-related conditions. Algorithms developed to predict the effect of missense changes on protein structure and function are either unavailable or do not agree on the potential impact of this missense change (SIFT: "Deleterious"; PolyPhen-2: "Benign"; Align-GVGD: "Class C0"). In summary, the available evidence is currently insufficient to determine the role of this variant in disease. Therefore, it has been classified as a Variant of Uncertain Significance.